The following is an entry in ClinVar:

NM_001267550.2(TTN):c.60302T>C (p.Ile20101Thr)

Genes: TTN (titin; minus strand), TTN-AS1 (TTN antisense RNA 1; plus strand). Cytogenetic location: 2q31.2.
Variant type: single nucleotide variant.
Coding change: c.60302T>C on transcript NM_001267550.2 (MANE Select); coding-DNA position 60302, T replaced by C.
Protein change: p.Ile20101Thr; replaces isoleucine 20101 with threonine.
Molecular consequence: missense variant.
Genome position (GRCh38, 1-based): chr2:178,591,423, A>G on the plus strand (T>C on the coding strand, the complement: TTN is on the minus strand). VCF-style: chr2-178591423-A-G. GRCh37 (hg19) VCF-style: chr2-179456150-A-G.
Other names: c.55379T>C, p.Ile18460Thr (NM_001256850.1); c.33107T>C, p.Ile11036Thr (NM_003319.4); c.52598T>C, p.Ile17533Thr (NM_133378.4); c.33482T>C, p.Ile11161Thr (NM_133432.3); c.33683T>C, p.Ile11228Thr (NM_133437.4); short protein forms I11161T, I18460T, I20101T, I11228T, I11036T, I17533T.
Identifiers: ClinVar variation 893819 (VCV000893819.5), dbSNP rs777610858, ClinGen allele CA1992509.
Genomic context (GRCh38, chr2:178,591,423, plus strand): 5'-GTTTTAATCTCACTCCCATCGGTTGTCCACTTTGCAGTAGGAACAGGCACACCTCTTATA[A>G]TAGCAGGGAATCTGACTGTGGTTCCAGCCTTTACCACAAGACCTTCAATTAATTTCACAT-3'
Protein context (NP_001254479.2, residues 20091-20111): KAGTTVRFPA[Ile20101Thr]IRGVPVPTAK

ClinVar aggregate classification (germline): Uncertain significance. Review status: criteria provided, multiple submitters, no conflicts (2 of 4 stars). 6 submissions from 2 submitters: Uncertain significance (6). Last evaluated 2026-05-27.

Conditions:
TTN-related disorder. Also called: TTN-related condition; TTN-related disease; TTN-related disorders.
Myopathy, myofibrillar, 9, with early respiratory failure (MFM9). Also called: Myopathy, distal, with early respiratory failure, autosomal dominant; Hereditary myopathy with early respiratory failure; EDSTROM MYOPATHY; MYOPATHY, PROXIMAL, WITH EARLY RESPIRATORY MUSCLE INVOLVEMENT. Identifiers: Orphanet 178464, Orphanet 34521, MedGen C1863599, MONDO:0011362, OMIM 603689.
Autosomal recessive limb-girdle muscular dystrophy type 2J (LGMDR10). Also called: MUSCULAR DYSTROPHY, LIMB-GIRDLE, AUTOSOMAL RECESSIVE 10; Limb-girdle muscular dystrophy, type 2J. Identifiers: Orphanet 140922, MedGen C1837342, MONDO:0012127, OMIM 608807.
Tibial muscular dystrophy (TMD). Also called: UDD MYOPATHY; Udd Distal Myopathy – Tibial Muscular Dystrophy; Tibial muscular dystrophy, tardive. Identifiers: Orphanet 609, MedGen C1838244, MONDO:0010870, OMIM 600334.
Early-onset myopathy with fatal cardiomyopathy (CMYO5). Also called: CONGENITAL MYOPATHY 5 WITH CARDIOMYOPATHY; Salih Myopathy. Identifiers: Orphanet 289377, MedGen C2673677, MONDO:0012714, OMIM 611705. Disease mechanism: loss of function.
Dilated cardiomyopathy 1G (CMD1G). Identifiers: Orphanet 154, MedGen C1858763, MONDO:0011400, OMIM 604145.

Allele frequency attached by ClinVar (database versions not stated): ExAC 0.00001; gnomAD 0.00001; gnomAD exomes 0.00001 and 0.00002; TOPMed 0.00002.
gnomAD v4.1: 31 of 1,607,564 alleles (0.0019%); highest among the groups gnomAD compares: African/African-American, 0.0027%; no homozygotes.

Submissions (6):

PreventionGenetics, part of Exact Sciences
Classification: Uncertain significance for TTN-related condition. Last evaluated: 2026-05-27. Review status: criteria provided, single submitter. Criteria: ACMG Guidelines, 2015. Collection method: clinical testing. Allele origin: germline.
Comment: The TTN c.60302T>C variant is predicted to result in the amino acid substitution p.Ile20101Thr. To our knowledge, this variant has not been reported in the literature. This variant is reported in 0.0042% of alleles in individuals of African descent in gnomAD. At this time, the clinical significance of this variant is uncertain due to the absence of conclusive functional and genetic evidence.

Illumina Laboratory Services, Illumina
Classification: Uncertain significance for Autosomal recessive limb-girdle muscular dystrophy type 2J. Last evaluated: 2018-01-13. Review status: criteria provided, single submitter. Criteria: ICSL Variant Classification Criteria 13 December 2019. Collection method: clinical testing. Allele origin: germline.

Illumina Laboratory Services, Illumina
Classification: Uncertain significance for Myopathy, myofibrillar, 9, with early respiratory failure. Last evaluated: 2018-01-13. Review status: criteria provided, single submitter. Criteria: ICSL Variant Classification Criteria 13 December 2019. Collection method: clinical testing. Allele origin: germline.

Illumina Laboratory Services, Illumina
Classification: Uncertain significance for Early-onset myopathy with fatal cardiomyopathy. Last evaluated: 2018-01-13. Review status: criteria provided, single submitter. Criteria: ICSL Variant Classification Criteria 13 December 2019. Collection method: clinical testing. Allele origin: germline.

Illumina Laboratory Services, Illumina
Classification: Uncertain significance for Dilated cardiomyopathy 1G. Last evaluated: 2018-01-13. Review status: criteria provided, single submitter. Criteria: ICSL Variant Classification Criteria 13 December 2019. Collection method: clinical testing. Allele origin: germline.

Illumina Laboratory Services, Illumina
Classification: Uncertain significance for Tibial muscular dystrophy. Last evaluated: 2018-01-13. Review status: criteria provided, single submitter. Criteria: ICSL Variant Classification Criteria 13 December 2019. Collection method: clinical testing. Allele origin: germline.